The following is an entry in ClinVar:

ClinVar aggregate classification (germline): Likely benign (1 of 4 stars; one submission).

Allele frequency attached by ClinVar (database versions not stated): gnomAD exomes below 0.00001.
gnomAD v4.1: 5 of 1,534,258 alleles (0.00033%); highest among the groups gnomAD compares: Non-Finnish European, 0.00044%; no homozygotes.

Submission:

GeneDx
Classification: Likely benign. Last evaluated: 2016-05-05. Review status: criteria provided, single submitter. Criteria: GeneDx Variant Classification (06012015). Collection method: clinical testing. Allele origin: germline. Affected: yes.
Comment: This variant is considered likely benign or benign based on one or more of the following criteria: it is a conservative change, it occurs at a poorly conserved position in the protein, it is predicted to be benign by multiple in silico algorithms, and/or has population frequency not consistent with disease.

NM_033109.5(PNPT1):c.1176+7T>C

Gene: PNPT1 (polyribonucleotide nucleotidyltransferase 1; minus strand). Cytogenetic location: 2p16.1.
Variant type: single nucleotide variant.
Coding change: c.1176+7T>C on transcript NM_033109.5 (MANE Select); 7 bases into the intron after coding-DNA position 1176, T replaced by C.
Molecular consequence: intron variant.
Genome position (GRCh38, 1-based): chr2:55,666,984, A>G on the plus strand (T>C on the coding strand, the complement: PNPT1 is on the minus strand). VCF-style: chr2-55666984-A-G. GRCh37 (hg19) VCF-style: chr2-55894119-A-G.
Identifiers: ClinVar variation 385577 (VCV000385577.1), dbSNP rs1057522265, ClinGen allele CA16604234.